The following is an entry in ClinVar:

NM_015047.3(EMC1):c.2060G>A (p.Arg687Gln)

Genes: EMC1 (ER membrane protein complex subunit 1; minus strand), EMC1-AS1 (EMC1 antisense RNA 1; plus strand). Cytogenetic location: 1p36.13.
Variant type: single nucleotide variant.
Coding change: c.2060G>A on transcript NM_015047.3 (MANE Select); coding-DNA position 2060, G replaced by A.
Protein change: p.Arg687Gln; replaces arginine 687 with glutamine.
Molecular consequence: missense variant.
Genome position (GRCh38, 1-based): chr1:19,230,848, C>T on the plus strand (G>A on the coding strand, the complement: EMC1 is on the minus strand). VCF-style: chr1-19230848-C-T. GRCh37 (hg19) VCF-style: chr1-19557342-C-T.
Other names: c.2060G>A (NM_015047.1, NM_015047.2); c.2057G>A, p.Arg686Gln (NM_001271427.2, NM_001271428.2); c.1994G>A, p.Arg665Gln (NM_001271429.2); c.2069G>A, p.Arg690Gln (NM_001375820.1); c.2066G>A, p.Arg689Gln (NM_001375821.1); short protein forms R665Q, R686Q, R687Q, R689Q, R690Q.
Identifiers: ClinVar variation 1018282 (VCV001018282.9), dbSNP rs374969388, ClinGen allele CA652419.

ClinVar aggregate classification (germline): Uncertain significance. Review status: criteria provided, multiple submitters, no conflicts (2 of 4 stars). 3 submissions from 3 submitters: Uncertain significance (3). Last evaluated 2025-10-02.

Conditions:
Cerebellar atrophy, visual impairment, and psychomotor retardation;. Also called: Cerebellar atrophy, visual impairment, and psychomotor retardation. Identifiers: MedGen C4225172, MONDO:0014811, OMIM 616875.
Inborn genetic diseases. Identifiers: MedGen C0950123, MeSH D030342.

Allele frequency attached by ClinVar (database versions not stated): ESP Exome Variant Server 0.00008; TOPMed 0.00008; ExAC 0.00009; gnomAD 0.00009 and 0.00010; gnomAD exomes 0.00012 and 0.00013; 1000 Genomes Project 30x 0.00016; 1000 Genomes Project 0.00020.
gnomAD v4.1: 197 of 1,613,734 alleles (0.012%); highest among the groups gnomAD compares: Middle Eastern, 0.016%; no homozygotes.

Submissions (3):

Labcorp Genetics (formerly Invitae), Labcorp
Classification: Uncertain significance. Last evaluated: 2025-10-02. Review status: criteria provided, single submitter. Criteria: Invitae Variant Classification Sherloc (09022015). Collection method: clinical testing. Allele origin: germline.
Comment: This sequence change replaces arginine, which is basic and polar, with glutamine, which is neutral and polar, at codon 687 of the EMC1 protein (p.Arg687Gln). This variant is present in population databases (rs374969388, gnomAD 0.02%). This variant has not been reported in the literature in individuals affected with EMC1-related conditions. ClinVar contains an entry for this variant (Variation ID: 1018282). Invitae Evidence Modeling of protein sequence and biophysical properties (such as structural, functional, and spatial information, amino acid conservation, physicochemical variation, residue mobility, and thermodynamic stability) indicates that this missense variant is not expected to disrupt EMC1 protein function with a negative predictive value of 80%. In summary, the available evidence is currently insufficient to determine the role of this variant in disease. Therefore, it has been classified as a Variant of Uncertain Significance.

Blueprint Genetics
Classification: Uncertain significance. Last evaluated: 2024-09-20. Review status: criteria provided, single submitter. Criteria: ACMG Guidelines, 2015. Collection method: clinical testing. Allele origin: germline.

Ambry Genetics
Classification: Uncertain significance for Inborn genetic diseases. Last evaluated: 2022-06-27. Review status: criteria provided, single submitter. Criteria: Ambry Variant Classification Scheme 2023. Collection method: clinical testing. Allele origin: germline.